The following is an entry in ClinVar:

ClinVar aggregate classification (germline): Likely benign. Review status: criteria provided, multiple submitters, no conflicts (2 of 4 stars). 2 submissions from 2 submitters: Likely benign (2). Last evaluated 2026-05-01.

Conditions:
Inborn genetic diseases. Identifiers: MedGen C0950123, MeSH D030342.

Allele frequency attached by ClinVar (database versions not stated): TOPMed 0.00004; gnomAD 0.00007; ExAC 0.00019.
gnomAD v4.1: 58 of 1,595,350 alleles (0.0036%); highest among the groups gnomAD compares: Middle Eastern, 0.14%; no homozygotes.

Submissions (2):

CeGaT Center for Human Genetics Tuebingen
Classification: Likely benign. Last evaluated: 2026-05-01. Review status: criteria provided, single submitter. Criteria: CeGaT Center For Human Genetics Tuebingen Variant Classification Criteria Version 2. Collection method: clinical testing. Allele origin: germline. Affected: yes. Observed: 2 variant alleles.
Comment: CIC: BP4

Ambry Genetics
Classification: Likely benign for Inborn genetic diseases. Last evaluated: 2025-03-28. Review status: criteria provided, single submitter. Criteria: Ambry Variant Classification Scheme 2023. Collection method: clinical testing. Allele origin: germline.

NM_001386298.1(CIC):c.6476C>A (p.Pro2159His)

Gene: CIC (capicua transcriptional repressor; plus strand). Cytogenetic location: 19q13.2.
Variant type: single nucleotide variant.
Coding change: c.6476C>A on transcript NM_001386298.1 (MANE Select); coding-DNA position 6476, C replaced by A.
Protein change: p.Pro2159His; replaces proline 2159 with histidine.
Molecular consequence: missense variant.
Genome position (GRCh38, 1-based): chr19:42,293,235, C>A. VCF-style: chr19-42293235-C-A. GRCh37 (hg19) VCF-style: chr19-42797387-C-A.
Other names: c.3749C>A (NM_015125.3); c.6476C>A, p.Pro2159His (NM_001304815.2, NM_001379482.1, NM_001379483.1); c.6473C>A, p.Pro2158His (NM_001379480.1); c.3749C>A, p.Pro1250His (NM_001379484.1, NM_001379485.1, NM_015125.5); short protein forms P1250H, P2158H, P2159H.
Identifiers: ClinVar variation 2672772 (VCV002672772.23), dbSNP rs747055103, ClinGen allele CA9472719.
Genomic context (GRCh38, chr19:42,293,235, plus strand): 5'-CAGCCCCTCCACCCCTGCCAGAGACCTGGACTCCCACGGCCCGGAGCAGCCCCCCACTGC[C>A]CCCACCTGCTGAGGAGCGGACCAGCGCCAAGGGCCCTGAGACCATGGTGAGCGCCTGCAG-3'
Protein context (NP_001373227.1, residues 2149-2169): TPTARSSPPL[Pro2159His]PPAEERTSAK